The following is an entry in ClinVar:

ClinVar aggregate classification (germline): Uncertain significance (0 of 4 stars; one submission).

Conditions:
SLC10A2-related disorder. Also called: SLC10A2-related condition.

Submission:

PreventionGenetics, part of Exact Sciences
Classification: Uncertain significance for SLC10A2-related condition. Last evaluated: 2024-06-26. Review status: no assertion criteria provided. Collection method: clinical testing. Allele origin: germline.
Comment: The SLC10A2 c.310G>T variant is predicted to result in premature protein termination (p.Gly104*). To our knowledge, this variant has not been reported in the literature or in a large population database, indicating this variant is rare. Although we suspect that this variant may be pathogenic, at this time, the clinical significance of this variant is uncertain due to the absence of conclusive functional and genetic evidence.

NM_000452.3(SLC10A2):c.310G>T (p.Gly104Ter)

Gene: SLC10A2 (solute carrier family 10 member 2; minus strand). Cytogenetic location: 13q33.1.
Variant type: single nucleotide variant.
Coding change: c.310G>T on transcript NM_000452.3 (MANE Select); coding-DNA position 310, G replaced by T.
Protein change: p.Gly104Ter; replaces glycine 104 with a stop codon.
Molecular consequence: nonsense.
Genome position (GRCh38, 1-based): chr13:103,065,940, C>A on the plus strand (G>T on the coding strand, the complement: SLC10A2 is on the minus strand). VCF-style: chr13-103065940-C-A. GRCh37 (hg19) VCF-style: chr13-103718290-C-A.
Other names: short protein forms G104*.
Identifiers: ClinVar variation 3344361 (VCV003344361.1).